The following is an entry in ClinVar:

NM_001199107.2(TBC1D24):c.878G>A (p.Arg293His)

Gene: TBC1D24 (TBC1 domain family member 24; plus strand). Cytogenetic location: 16p13.3.
Variant type: single nucleotide variant.
Coding change: c.878G>A on transcript NM_001199107.2 (MANE Select); coding-DNA position 878, G replaced by A.
Protein change: p.Arg293His; replaces arginine 293 with histidine.
Molecular consequence: missense variant.
Genome position (GRCh38, 1-based): chr16:2,497,026, G>A. VCF-style: chr16-2497026-G-A. GRCh37 (hg19) VCF-style: chr16-2547027-G-A.
Other names: p.R293H:CGC>CAC; p.Arg293His; c.878G>A, p.Arg293His (NM_020705.3); short protein forms R293H.
Identifiers: ClinVar variation 207519 (VCV000207519.89), dbSNP rs199700840, ClinGen allele CA319076.
Genomic context (GRCh38, chr16:2,497,026, plus strand): 5'-TCAGAGACATCGCGAAGACGGTGTCCCCTGAGAAGCTGCTGGAGAAAGCGTTCGCCATCC[G>A]CCTCTTCTCCCGCAAGGAGATCCAGCTCCTGCAGATGGCCAATGAGAAAGCCCTGAAGCA-3'
Protein context (NP_001186036.1, residues 283-303): EKLLEKAFAI[Arg293His]LFSRKEIQLL

ClinVar aggregate classification (germline): Uncertain significance. Review status: criteria provided, multiple submitters, no conflicts (2 of 4 stars). 9 submissions from 9 submitters: Uncertain significance (9). Last evaluated 2026-06-01.

Conditions:
Developmental and epileptic encephalopathy, 1 (DEE1). Also called: INFANTILE SPASM SYNDROME, X-LINKED 1; X-linked infantile spasms; West's syndrome; Tonic spasms with clustering, arrest of psychomotor development and hypsarrhythmia on EEG; X-Linked Infantile Spasm Syndrome; Epileptic encephalopathy, early infantile, 1. Identifiers: MedGen C3463992, MONDO:0010632, OMIM 308350. Disease mechanism: loss of function.
Autosomal dominant nonsyndromic hearing loss 65. Also called: Deafness, autosomal dominant 65; TBC1D24-Related Autosomal Dominant Nonsyndromic Hearing Loss (DFNA). Identifiers: Orphanet 90635, MedGen C3892048, MONDO:0014470, OMIM 616044.
Inborn genetic diseases. Identifiers: MedGen C0950123, MeSH D030342.
DOORS syndrome (DOORS). Also called: DOORS Syndrome (Deafness, Onychodystrophy, Osteodystrophy, Mental Retardation, and Seizures); DOOR SYNDROME; DRC SYNDROME; BRACHYDACTYLY DUE TO ABSENCE OF DISTAL PHALANGES; ERONEN SYNDROME; Digitorenocerebral syndrome. Identifiers: Orphanet 3231, Orphanet 79500, MedGen C0795934, MONDO:0009079, OMIM 220500. Disease mechanism: loss of function.
Developmental and epileptic encephalopathy, 16 (DEE16). Also called: TBC1D24-Related Developmental and Epileptic Encephalopathy (DEE); Early infantile epileptic encephalopathy 16. Identifiers: Orphanet 293181, Orphanet 352596, MedGen C3809173, MONDO:0014133, OMIM 615338.
Familial infantile myoclonic epilepsy (FIME). Also called: TBC1D24-Related Familial Infantile Myoclonic Epilepsy (FIME); Epilepsy, Myoclonic, Infantile. Identifiers: Orphanet 352582, MedGen C0917800, MONDO:0011506, OMIM 605021.
Autosomal recessive nonsyndromic hearing loss 86 (DFNB86). Also called: Deafness , autosomal recessive 86; TBC1D24-Related Autosomal Recessive Nonsyndromic Hearing Loss (DFNB). Identifiers: Orphanet 90636, MedGen C2829265, MONDO:0013826, OMIM 614617.
Rolandic epilepsy-paroxysmal exercise-induced dystonia-writer's cramp syndrome. Also called: TBC1D24-Related Rolandic Epilepsy with Paroxysmal Exercise-Induced Dystonia and Writer's Cramp (EPRPDC); RE-PED-WC. Identifiers: Orphanet 163727, MedGen C1842531, MONDO:0011970, OMIM 608105.

Allele frequency attached by ClinVar (database versions not stated): ExAC 0.00016; 1000 Genomes Project 0.00020; TOPMed 0.00020; gnomAD 0.00022 and 0.00023; 1000 Genomes Project 30x 0.00031; ESP Exome Variant Server 0.00055.

Submissions (9):

CeGaT Center for Human Genetics Tuebingen
Classification: Uncertain significance. Last evaluated: 2026-06-01. Review status: criteria provided, single submitter. Criteria: CeGaT Center For Human Genetics Tuebingen Variant Classification Criteria Version 2. Collection method: clinical testing. Allele origin: germline. Affected: yes. Observed: 2 variant alleles.
Comment: TBC1D24: PM2, PM5

Women's Health and Genetics/Laboratory Corporation of America, LabCorp
Classification: Uncertain significance. Last evaluated: 2026-05-04. Review status: criteria provided, single submitter. Criteria: LabCorp Variant Classification Summary - May 2015. Collection method: clinical testing. Allele origin: germline.
Comment: Variant summary: TBC1D24 c.878G>A (p.Arg293His) results in a non-conservative amino acid change in the encoded protein sequence. Algorithms developed to predict the effect of missense changes on protein structure and function are either unavailable or do not agree on the potential impact of this missense change. The variant allele was found at a frequency of 0.00019 in 248774 control chromosomes. This frequency is not significantly higher than estimated for disease-causing variants in TBC1D24, allowing no conclusion about variant significance. To our knowledge, no occurrence of c.878G>A in individuals affected with TBC1D24-related conditions and no experimental evidence demonstrating its impact on protein function have been reported. ClinVar contains an entry for this variant (Variation ID: 207519). Based on the evidence outlined above, the variant was classified as uncertain significance.

Labcorp Genetics (formerly Invitae), Labcorp
Classification: Uncertain significance for Developmental and epileptic encephalopathy, 1; Autosomal dominant nonsyndromic hearing loss 65. Last evaluated: 2026-01-12. Review status: criteria provided, single submitter. Criteria: Invitae Variant Classification Sherloc (09022015). Collection method: clinical testing. Allele origin: germline.
Comment: This sequence change replaces arginine, which is basic and polar, with histidine, which is basic and polar, at codon 293 of the TBC1D24 protein (p.Arg293His). This variant is present in population databases (rs199700840, gnomAD 0.03%). This variant has not been reported in the literature in individuals affected with TBC1D24-related conditions. ClinVar contains an entry for this variant (Variation ID: 207519). Invitae Evidence Modeling of protein sequence and biophysical properties (such as structural, functional, and spatial information, amino acid conservation, physicochemical variation, residue mobility, and thermodynamic stability) has been performed for this missense variant. However, the output from this modeling did not meet the statistical confidence thresholds required to predict the impact of this variant on TBC1D24 protein function. In summary, the available evidence is currently insufficient to determine the role of this variant in disease. Therefore, it has been classified as a Variant of Uncertain Significance.

GeneDx
Classification: Uncertain significance. Last evaluated: 2025-08-05. Review status: criteria provided, single submitter. Criteria: GeneDx Variant Classification Process June 2021. Collection method: clinical testing. Allele origin: germline. Affected: yes.
Comment: In silico analysis supports that this missense variant has a deleterious effect on protein structure/function; Has not been previously published as pathogenic or benign to our knowledge; This variant is associated with the following publications: (PMID: 24387994)

Blueprint Genetics
Classification: Uncertain significance. Last evaluated: 2024-10-07. Review status: criteria provided, single submitter. Criteria: ACMG Guidelines, 2015. Collection method: clinical testing. Allele origin: germline.

Revvity Omics, Revvity
Classification: Uncertain significance. Last evaluated: 2024-04-18. Review status: criteria provided, single submitter. Criteria: ACMG Guidelines, 2015. Collection method: clinical testing. Allele origin: germline.

Fulgent Genetics
Classification: Uncertain significance for DOORS syndrome; Familial infantile myoclonic epilepsy; Rolandic epilepsy-paroxysmal exercise-induced dystonia-writer's cramp syndrome; Autosomal recessive nonsyndromic hearing loss 86; Developmental and epileptic encephalopathy, 16; Autosomal dominant nonsyndromic hearing loss 65. Last evaluated: 2022-01-03. Review status: criteria provided, single submitter. Criteria: ACMG Guidelines, 2015. Collection method: clinical testing. Allele origin: unknown.

Ambry Genetics
Classification: Uncertain significance for Inborn genetic diseases. Last evaluated: 2019-06-06. Review status: criteria provided, single submitter. Criteria: Ambry Variant Classification Scheme 2023. Collection method: clinical testing. Allele origin: germline.
Comment: The p.R293H variant (also known as c.878G>A), located in coding exon 1 of the TBC1D24 gene, results from a G to A substitution at nucleotide position 878. The arginine at codon 293 is replaced by histidine, an amino acid with highly similar properties. This amino acid position is highly conserved in available vertebrate species. In addition, the in silico prediction for this alteration is inconclusive. Since supporting evidence is limited at this time, the clinical significance of this alteration remains unclear.

Laboratory for Molecular Medicine, Mass General Brigham Personalized Medicine
Classification: Uncertain significance. Last evaluated: 2019-02-13. Review status: criteria provided, single submitter. Criteria: LMM Criteria. Collection method: clinical testing. Allele origin: germline. Observed: 1 variant allele.
Comment: The p.Arg293His variant in TBC1D24 has not been previously reported in individuals with hearing loss or DOORS syndrome, but has been identified in 0.034% (43/128356) of European chromosomes by gnomAD. This variant has also been reported in ClinVar (Variation ID 207519). A different missense variant at the same position (p.Arg293Pro) has been reported to segregate with hearing loss in a Pakistani family (Rehman 2014). Computational prediction tools and conservation analysis suggest that the p.Arg293His variant may impact the protein, though this information is not predictive enough to determine pathogenicity. In summary, the clinical significance of this variant is uncertain. ACMG/AMP Criteria applied: PM5_Supporting, PM2_Supporting, PP3.

Literature cited by the submitters: PubMed 24387994 (cited by Ambry Genetics and Laboratory for Molecular Medicine, Mass General Brigham Personalized Medicine).